The following is an entry in ClinVar:

NM_006312.6(NCOR2):c.6030G>A (p.Ala2010=)

Gene: NCOR2 (nuclear receptor corepressor 2; minus strand). Cytogenetic location: 12q24.31.
Variant type: single nucleotide variant.
Coding change: c.6030G>A on transcript NM_006312.6 (MANE Select); coding-DNA position 6030, G replaced by A.
Protein change: p.Ala2010=; no amino-acid change (alanine 2010 retained).
Molecular consequence: synonymous variant.
Genome position (GRCh38, 1-based): chr12:124,336,838, C>T on the plus strand (G>A on the coding strand, the complement: NCOR2 is on the minus strand). VCF-style: chr12-124336838-C-T. GRCh37 (hg19) VCF-style: chr12-124821384-C-T.
Other names: c.6000G>A, p.Ala2000= (NM_001077261.4, NM_001206654.2).
Identifiers: ClinVar variation 3039820 (VCV003039820.2), dbSNP rs371641181, ClinGen allele CA6867671.

ClinVar aggregate classification (germline): Likely benign (0 of 4 stars; one submission).

Conditions:
NCOR2-related disorder. Also called: NCOR2-related condition.

Allele frequency attached by ClinVar (database versions not stated): gnomAD exomes 0.00004; ExAC 0.00010; TOPMed 0.00014; gnomAD 0.00016.
gnomAD v4.1: 131 of 1,612,192 alleles (0.0081%); highest among the groups gnomAD compares: East Asian, 0.049%; 1 homozygote.

Submission:

PreventionGenetics, part of Exact Sciences
Classification: Likely benign for NCOR2-related condition. Last evaluated: 2019-09-19. Review status: no assertion criteria provided. Collection method: clinical testing. Allele origin: germline.
Comment: This variant is classified as likely benign based on ACMG/AMP sequence variant interpretation guidelines (Richards et al. 2015 PMID: 25741868, with internal and published modifications).